The following is an entry in ClinVar:

NM_001385641.1(SAMD11):c.776G>A (p.Arg259His)

Gene: SAMD11 (sterile alpha motif domain containing 11; plus strand). Cytogenetic location: 1p36.33.
Variant type: single nucleotide variant.
Coding change: c.776G>A on transcript NM_001385641.1 (MANE Select); coding-DNA position 776, G replaced by A.
Protein change: p.Arg259His; replaces arginine 259 with histidine.
Molecular consequence: missense variant.
Genome position (GRCh38, 1-based): chr1:930,321, G>A. VCF-style: chr1-930321-G-A. GRCh37 (hg19) VCF-style: chr1-865701-G-A.
Other names: c.776G>A, p.Arg259His (NM_001385640.1); c.239G>A, p.Arg80His (NM_152486.4); c.239G>A (NM_152486.2); short protein forms R259H, R80H.
Identifiers: ClinVar variation 1002043 (VCV001002043.5), dbSNP rs768961023, ClinGen allele CA502463.

ClinVar aggregate classification (germline): Uncertain significance. Review status: criteria provided, multiple submitters, no conflicts (2 of 4 stars). 2 submissions from 2 submitters: Uncertain significance (2). Last evaluated 2025-04-11.

Allele frequency attached by ClinVar (database versions not stated): gnomAD 0.00005 and 0.00004; ExAC 0.00009; TOPMed 0.00003.
gnomAD v4.1: 54 of 1,604,730 alleles (0.0034%); highest among the groups gnomAD compares: Admixed American, 0.027%; no homozygotes.

Submissions (2):

Ambry Genetics
Classification: Uncertain significance. Last evaluated: 2025-04-11. Review status: criteria provided, single submitter. Criteria: Ambry Variant Classification Scheme 2023. Collection method: clinical testing. Allele origin: germline.

Labcorp Genetics (formerly Invitae), Labcorp
Classification: Uncertain significance. Last evaluated: 2023-11-06. Review status: criteria provided, single submitter. Criteria: Invitae Variant Classification Sherloc (09022015). Collection method: clinical testing. Allele origin: germline.
Comment: This sequence change replaces arginine, which is basic and polar, with histidine, which is basic and polar, at codon 80 of the SAMD11 protein (p.Arg80His). This variant is present in population databases (rs768961023, gnomAD 0.04%). This variant has not been reported in the literature in individuals affected with SAMD11-related conditions. ClinVar contains an entry for this variant (Variation ID: 1002043). Algorithms developed to predict the effect of missense changes on protein structure and function output the following: SIFT: "Not Available"; PolyPhen-2: "Benign"; Align-GVGD: "Not Available". The histidine amino acid residue is found in multiple mammalian species, which suggests that this missense change does not adversely affect protein function. In summary, the available evidence is currently insufficient to determine the role of this variant in disease. Therefore, it has been classified as a Variant of Uncertain Significance.